The following is an entry in ClinVar:

ClinVar aggregate classification (germline): Uncertain significance (1 of 4 stars; one submission).

Conditions:
Birt-Hogg-Dube syndrome. Also called: Birt Hogg Dubé syndrome. Identifiers: Orphanet 122, MedGen C0346010, MONDO:0800444.

Allele frequency attached by ClinVar (database versions not stated): gnomAD exomes below 0.00001; TOPMed below 0.00001.
gnomAD v4.1: 4 of 1,613,960 alleles (0.00025%); highest among the groups gnomAD compares: Non-Finnish European, 0.00034%; no homozygotes.

Submission:

Labcorp Genetics (formerly Invitae), Labcorp
Classification: Uncertain significance for Birt-Hogg-Dube syndrome. Last evaluated: 2021-11-14. Review status: criteria provided, single submitter. Criteria: Invitae Variant Classification Sherloc (09022015). Collection method: clinical testing. Allele origin: germline.
Comment: In summary, the available evidence is currently insufficient to determine the role of this variant in disease. Therefore, it has been classified as a Variant of Uncertain Significance. Algorithms developed to predict the effect of missense changes on protein structure and function (SIFT, PolyPhen-2, Align-GVGD) all suggest that this variant is likely to be tolerated. ClinVar contains an entry for this variant (Variation ID: 655818). This variant has not been reported in the literature in individuals affected with FLCN-related conditions. This variant is not present in population databases (gnomAD no frequency). This sequence change replaces methionine, which is neutral and non-polar, with isoleucine, which is neutral and non-polar, at codon 512 of the FLCN protein (p.Met512Ile).

NM_144997.7(FLCN):c.1536G>T (p.Met512Ile)

Gene: FLCN (folliculin; minus strand). Cytogenetic location: 17p11.2.
Variant type: single nucleotide variant.
Coding change: c.1536G>T on transcript NM_144997.7 (MANE Select); coding-DNA position 1536, G replaced by T.
Protein change: p.Met512Ile; replaces methionine 512 with isoleucine.
Molecular consequence: missense variant.
Genome position (GRCh38, 1-based): chr17:17,214,987, C>A on the plus strand (G>T on the coding strand, the complement: FLCN is on the minus strand). VCF-style: chr17-17214987-C-A. GRCh37 (hg19) VCF-style: chr17-17118301-C-A.
Other names: c.1536G>T (LRG_325t1); c.1590G>T, p.Met530Ile (NM_001353229.2); c.1536G>T, p.Met512Ile (NM_001353230.2, NM_001353231.2); short protein forms M512I, M530I.
Identifiers: ClinVar variation 655818 (VCV000655818.8), dbSNP rs1303612288, ClinGen allele CA398530665.
Genomic context (GRCh38, chr17:17,214,987, plus strand): 5'-AGCTCCAGGTTTTCTCCAGGGTCGCAAGCAAAGGGGCCTCACCCACACTGTTGCTTACTT[C>A]ATCCACTCCTCCTTGAGGCAGACGAGGCACTGGTCCACCACATCCACAGACAGGTTCTGG-3'
Protein context (NP_659434.2, residues 502-522): QCLVCLKEEW[Met512Ile]NKVKVLFKFT